The following is an entry in ClinVar:

ClinVar aggregate classification (germline): Likely benign. Review status: criteria provided, multiple submitters, no conflicts (2 of 4 stars). 2 submissions from 2 submitters: Likely benign (2). Last evaluated 2026-07-01.

Conditions:
Dilated cardiomyopathy 1G (CMD1G). Identifiers: Orphanet 154, MedGen C1858763, MONDO:0011400, OMIM 604145.
Autosomal recessive limb-girdle muscular dystrophy type 2J (LGMDR10). Also called: MUSCULAR DYSTROPHY, LIMB-GIRDLE, AUTOSOMAL RECESSIVE 10; Limb-girdle muscular dystrophy, type 2J. Identifiers: Orphanet 140922, MedGen C1837342, MONDO:0012127, OMIM 608807.

Allele frequency attached by ClinVar (database versions not stated): gnomAD 0.00001; ExAC 0.00002; gnomAD exomes 0.00002 and 0.00004; TOPMed 0.00002.
gnomAD v4.1: 15 of 1,611,698 alleles (0.00093%); highest among the groups gnomAD compares: Admixed American, 0.025%; 1 homozygote.

Submissions (2):

CeGaT Center for Human Genetics Tuebingen
Classification: Likely benign. Last evaluated: 2026-07-01. Review status: criteria provided, single submitter. Criteria: CeGaT Center For Human Genetics Tuebingen Variant Classification Criteria Version 2. Collection method: clinical testing. Allele origin: germline. Affected: yes. Observed: 1 variant allele.
Comment: TTN: BP4, BP7

Labcorp Genetics (formerly Invitae), Labcorp
Classification: Likely benign for Dilated cardiomyopathy 1G; Autosomal recessive limb-girdle muscular dystrophy type 2J. Last evaluated: 2026-01-05. Review status: criteria provided, single submitter. Criteria: Invitae Variant Classification Sherloc (09022015). Collection method: clinical testing. Allele origin: germline.

NM_001267550.2(TTN):c.49593T>C (p.Ala16531=)

Genes: TTN (titin; minus strand), TTN-AS1 (TTN antisense RNA 1; plus strand). Cytogenetic location: 2q31.2.
Variant type: single nucleotide variant.
Coding change: c.49593T>C on transcript NM_001267550.2 (MANE Select); coding-DNA position 49593, T replaced by C.
Protein change: p.Ala16531=; no amino-acid change (alanine 16531 retained).
Molecular consequence: synonymous variant.
Genome position (GRCh38, 1-based): chr2:178,613,216, A>G on the plus strand (T>C on the coding strand, the complement: TTN is on the minus strand). VCF-style: chr2-178613216-A-G. GRCh37 (hg19) VCF-style: chr2-179477943-A-G.
Other names: c.44670T>C, p.Ala14890= (NM_001256850.1); c.22398T>C, p.Ala7466= (NM_003319.4); c.41889T>C, p.Ala13963= (NM_133378.4); c.22773T>C, p.Ala7591= (NM_133432.3); c.22974T>C, p.Ala7658= (NM_133437.4).
Identifiers: ClinVar variation 1585844 (VCV001585844.9), dbSNP rs764256594, ClinGen allele CA1994563.